The following is an entry in ClinVar:

NM_001440.4(EXTL3):c.1513C>T (p.Leu505Phe)

Gene: EXTL3 (exostosin like glycosyltransferase 3; plus strand). Cytogenetic location: 8p21.1.
Variant type: single nucleotide variant.
Coding change: c.1513C>T on transcript NM_001440.4 (MANE Select); coding-DNA position 1513, C replaced by T.
Protein change: p.Leu505Phe; replaces leucine 505 with phenylalanine.
Molecular consequence: missense variant.
Genome position (GRCh38, 1-based): chr8:28,717,572, C>T. VCF-style: chr8-28717572-C-T. GRCh37 (hg19) VCF-style: chr8-28575089-C-T.
Other names: short protein forms L505F.
Identifiers: ClinVar variation 2416923 (VCV002416923.5), dbSNP rs771639784, ClinGen allele CA4696233.

ClinVar aggregate classification (germline): Uncertain significance (1 of 4 stars; one submission).

Allele frequency attached by ClinVar (database versions not stated): ExAC 0.00001; gnomAD 0.00001; gnomAD exomes 0.00001; TOPMed 0.00002.
gnomAD v4.1: 8 of 1,614,144 alleles (0.0005%); highest among the groups gnomAD compares: Admixed American, 0.0083%; no homozygotes.

Submission:

Labcorp Genetics (formerly Invitae), Labcorp
Classification: Uncertain significance. Last evaluated: 2022-08-27. Review status: criteria provided, single submitter. Criteria: Invitae Variant Classification Sherloc (09022015). Collection method: clinical testing. Allele origin: germline.
Comment: This variant is present in population databases (rs771639784, gnomAD 0.01%). This variant has not been reported in the literature in individuals affected with EXTL3-related conditions. Algorithms developed to predict the effect of missense changes on protein structure and function are either unavailable or do not agree on the potential impact of this missense change (SIFT: "Deleterious"; PolyPhen-2: "Possibly Damaging"; Align-GVGD: "Class C0"). In summary, the available evidence is currently insufficient to determine the role of this variant in disease. Therefore, it has been classified as a Variant of Uncertain Significance. This sequence change replaces leucine, which is neutral and non-polar, with phenylalanine, which is neutral and non-polar, at codon 505 of the EXTL3 protein (p.Leu505Phe).